The following is an entry in ClinVar:

NM_012280.4(FTSJ1):c.600C>A (p.Asp200Glu)

Gene: FTSJ1 (FtsJ RNA 2'-O-methyltransferase 1; plus strand). Cytogenetic location: Xp11.23.
Variant type: single nucleotide variant.
Coding change: c.600C>A on transcript NM_012280.4 (MANE Select); coding-DNA position 600, C replaced by A.
Protein change: p.Asp200Glu; replaces aspartic acid 200 with glutamic acid.
Molecular consequence: missense variant.
Genome position (GRCh38, 1-based): chrX:48,481,660, C>A. VCF-style: chrX-48481660-C-A. GRCh37 (hg19) VCF-style: chrX-48340048-C-A.
Other names: c.189C>A, p.Asp63Glu (NM_001282157.2); c.600C>A, p.Asp200Glu (NM_177439.3); short protein forms D200E, D63E.
Identifiers: ClinVar variation 506502 (VCV000506502.1), dbSNP rs1556968640, ClinGen allele CA412856872.

ClinVar aggregate classification (germline): Likely benign (1 of 4 stars; one submission).

Submission:

GeneDx
Classification: Likely benign. Last evaluated: 2017-05-03. Review status: criteria provided, single submitter. Criteria: GeneDx Variant Classification (06012015). Collection method: clinical testing. Allele origin: germline. Affected: yes.
Comment: This variant is considered likely benign or benign based on one or more of the following criteria: it is a conservative change, it occurs at a poorly conserved position in the protein, it is predicted to be benign by multiple in silico algorithms, and/or has population frequency not consistent with disease.